The following is an entry in ClinVar:

NM_017654.4(SAMD9):c.4519G>A (p.Asp1507Asn)

Gene: SAMD9 (sterile alpha motif domain containing 9; minus strand). Cytogenetic location: 7q21.2.
Variant type: single nucleotide variant.
Coding change: c.4519G>A on transcript NM_017654.4 (MANE Select); coding-DNA position 4519, G replaced by A.
Protein change: p.Asp1507Asn; replaces aspartic acid 1507 with asparagine.
Molecular consequence: missense variant.
Genome position (GRCh38, 1-based): chr7:93,101,579, C>T on the plus strand (G>A on the coding strand, the complement: SAMD9 is on the minus strand). VCF-style: chr7-93101579-C-T. GRCh37 (hg19) VCF-style: chr7-92730892-C-T.
Other names: c.4519G>A, p.Asp1507Asn (NM_001193307.2); short protein forms D1507N.
Identifiers: ClinVar variation 3791990 (VCV003791990.1).

ClinVar aggregate classification (germline): Uncertain significance (1 of 4 stars; one submission).

Conditions:
Inborn genetic diseases. Identifiers: MedGen C0950123, MeSH D030342.

Submission:

Ambry Genetics
Classification: Uncertain significance for Inborn genetic diseases. Last evaluated: 2025-01-10. Review status: criteria provided, single submitter. Criteria: Ambry Variant Classification Scheme 2023. Collection method: clinical testing. Allele origin: germline.
Comment: The p.D1507N variant (also known as c.4519G>A), located in coding exon 1 of the SAMD9 gene, results from a G to A substitution at nucleotide position 4519. The aspartic acid at codon 1507 is replaced by asparagine, an amino acid with highly similar properties. This amino acid position is conserved. In addition, this alteration is predicted to be tolerated by in silico analysis. Based on the available evidence, the clinical significance of this variant remains unclear.